The following is an entry in ClinVar:

ClinVar aggregate classification (germline): Likely benign. Review status: criteria provided, multiple submitters, no conflicts (2 of 4 stars). 2 submissions from 2 submitters: Likely benign (2). Last evaluated 2026-01-25.

Conditions:
Citrin deficiency. Identifiers: Orphanet 247582, MedGen C1997910, MONDO:0016602.

Allele frequency attached by ClinVar (database versions not stated): ExAC 0.00002; gnomAD exomes 0.00004 and 0.00014; ESP Exome Variant Server 0.00008; gnomAD 0.00009; TOPMed 0.00009.
gnomAD v4.1: 210 of 1,613,954 alleles (0.013%); highest among the groups gnomAD compares: Non-Finnish European, 0.017%; no homozygotes.

Submissions (2):

Labcorp Genetics (formerly Invitae), Labcorp
Classification: Likely benign for Citrin deficiency. Last evaluated: 2026-01-25. Review status: criteria provided, single submitter. Criteria: Invitae Variant Classification Sherloc (09022015). Collection method: clinical testing. Allele origin: germline.

GeneDx
Classification: Likely benign. Last evaluated: 2017-03-23. Review status: criteria provided, single submitter. Criteria: GeneDx Variant Classification (06012015). Collection method: clinical testing. Allele origin: germline. Affected: yes.
Comment: This variant is considered likely benign or benign based on one or more of the following criteria: it is a conservative change, it occurs at a poorly conserved position in the protein, it is predicted to be benign by multiple in silico algorithms, and/or has population frequency not consistent with disease.

NM_014251.3(SLC25A13):c.543C>T (p.Ile181=)

Gene: SLC25A13 (solute carrier family 25 member 13; minus strand). Cytogenetic location: 7q21.3.
Variant type: single nucleotide variant.
Coding change: c.543C>T on transcript NM_014251.3 (MANE Select); coding-DNA position 543, C replaced by T.
Protein change: p.Ile181=; no amino-acid change (isoleucine 181 retained).
Molecular consequence: synonymous variant. On other transcripts: non-coding transcript variant (1).
Genome position (GRCh38, 1-based): chr7:96,193,109, G>A on the plus strand (C>T on the coding strand, the complement: SLC25A13 is on the minus strand). VCF-style: chr7-96193109-G-A. GRCh37 (hg19) VCF-style: chr7-95822421-G-A.
Other names: c.543C>T, p.Ile181= (NM_001160210.2).
Identifiers: ClinVar variation 507943 (VCV000507943.9), dbSNP rs370372951, ClinGen allele CA4353230.
Genomic context (GRCh38, chr7:96,193,109, plus strand): 5'-TTCTTCTACAAAAGGAGTCAAGACATGGGGGCGGATGGTGACCATGATGTCTCGGAAGTC[G>A]ATGGCTGTGACTCTCCCAGTCCTAGCATTGTCCCGTTGCACAAAGGCTTGCTTTGCGTGC-3'
Protein context (NP_055066.1, residues 171-191): DNARTGRVTA[Ile181=]DFRDIMVTIR